The following is an entry in ClinVar:

ClinVar aggregate classification (germline): Pathogenic/Likely pathogenic. Review status: criteria provided, multiple submitters, no conflicts (2 of 4 stars). 5 submissions from 5 submitters: Pathogenic (2); Likely pathogenic (2). 1 of the submissions does not count toward it. Last evaluated 2026-07-31.

Conditions:
Retinal dystrophy. Also called: Inherited retinal dystrophy. Identifiers: Orphanet 71862, MedGen C0854723, MeSH D058499, MONDO:0019118, HP:0000556.
PRPH2-related disorder. Also called: PRPH2-related condition; PRPH2-related disorders. Identifiers: MedGen CN239395.

gnomAD v4.1: 2 of 1,614,168 alleles (0.00012%); highest among the groups gnomAD compares: Non-Finnish European, 0.00017%; no homozygotes.

Submissions (5):

PreventionGenetics, part of Exact Sciences
Classification: Likely pathogenic for PRPH2-related condition. Last evaluated: 2026-07-31. Review status: criteria provided, single submitter. Criteria: ACMG Guidelines, 2015. Collection method: clinical testing. Allele origin: germline.
Comment: The PRPH2 c.662C>T variant is predicted to result in the amino acid substitution p.Pro221Leu. This variant has been reported in two individuals with central areolar choroidal dystrophy (Table 1, Renner et al. 2009. PubMed ID:19038374; Table S2, Zampaglione et al. 2020. PubMed ID: 32037395) and in an individual with pattern macular dystrophy (Table S1, Stone et al. 2017. PubMed ID: 28559085). At PreventionGenetics, this variant was detected in multiple individuals undergoing testing for retinal disease. This variant is located within a hotspot region (a.a. 141-240, also known as the D2 loop) for disease-causing variants (Reeves et al. 2021. PubMedID: 32531846). This variant is absent in a large population database (gnomAD), indicating this variant is rare. This variant is interpreted as likely pathogenic.

Labcorp Genetics (formerly Invitae), Labcorp
Classification: Pathogenic for PRPH2-related disorder. Last evaluated: 2025-10-21. Review status: criteria provided, single submitter. Criteria: Invitae Variant Classification Sherloc (09022015). Collection method: clinical testing. Allele origin: germline.
Comment: This sequence change replaces proline, which is neutral and non-polar, with leucine, which is neutral and non-polar, at codon 221 of the PRPH2 protein (p.Pro221Leu). This variant is not present in population databases (gnomAD no frequency). This missense change has been observed in individuals with autosomal dominant central areolar choroidal dystrophy and macular dystrophy (PMID: 19038374, 28559085; internal data). ClinVar contains an entry for this variant (Variation ID: 1175227). Invitae Evidence Modeling of protein sequence and biophysical properties (such as structural, functional, and spatial information, amino acid conservation, physicochemical variation, residue mobility, and thermodynamic stability) indicates that this missense variant is expected to disrupt PRPH2 protein function with a positive predictive value of 95%. For these reasons, this variant has been classified as Pathogenic.

Blueprint Genetics
Classification: Pathogenic for PRPH2-related disorders. Last evaluated: 2024-04-26. Review status: criteria provided, single submitter. Criteria: ACMG Guidelines, 2015. Collection method: clinical testing. Allele origin: germline. Affected: yes. Observed: 3 variant alleles.

Institute of Human Genetics, Univ. Regensburg, Univ. Regensburg
Classification: Likely pathogenic for Retinal dystrophy. Last evaluated: 2020-01-01. Review status: criteria provided, single submitter. Criteria: ACMG Guidelines, 2015. Collection method: clinical testing. Allele origin: germline. Affected: yes.

Leiden Open Variation Database
Classification: Uncertain significance. Last evaluated: 2021-04-06. Review status: no assertion criteria provided. Collection method: curation. Allele origin: germline. Affected: yes. Not counted in ClinVar's aggregate classification.
Comment: Curator: Global Variome, with Curator vacancy. Submitters to LOVD: LOVD, Manon Peeters.

Literature cited by the submitters: PubMed 19038374 (cited by 3 submitters); PubMed 28559085 (cited by 3 submitters); PubMed 32037395 (cited by Institute of Human Genetics, Univ. Regensburg, Univ. Regensburg); PubMed 34411390 (cited by Institute of Human Genetics, Univ. Regensburg, Univ. Regensburg).

NM_000322.5(PRPH2):c.662C>T (p.Pro221Leu)

Gene: PRPH2 (peripherin 2; minus strand). Cytogenetic location: 6p21.1.
Variant type: single nucleotide variant.
Coding change: c.662C>T on transcript NM_000322.5 (MANE Select); coding-DNA position 662, C replaced by T.
Protein change: p.Pro221Leu; replaces proline 221 with leucine.
Molecular consequence: missense variant.
Genome position (GRCh38, 1-based): chr6:42,704,531, G>A on the plus strand (C>T on the coding strand, the complement: PRPH2 is on the minus strand). VCF-style: chr6-42704531-G-A. GRCh37 (hg19) VCF-style: chr6-42672269-G-A.
Other names: short protein forms P221L.
Identifiers: ClinVar variation 1175227 (VCV001175227.12), dbSNP rs973931180, ClinGen allele CA364135458.
Genomic context (GRCh38, chr6:42,704,531, plus strand): 5'-TCCGTCTGGTGGTCGTAACTGTAGTGTGCTGAGTTGTTGGTGATCTGATACTGGATGCAG[G>A]GCCGTGGCGAGCTAGGATTGCAGCAGCTGAAAGGGACGCCGTCCACCAGGTACCGCCCAT-3'
Protein context (NP_000313.2, residues 211-231): FSCCNPSSPR[Pro221Leu]CIQYQITNNS